The following is an entry in ClinVar:

NM_001379270.1(CNGA1):c.1667G>A (p.Arg556Gln)

Genes: CNGA1 (cyclic nucleotide gated channel subunit alpha 1; minus strand), LOC101927157 (uncharacterized LOC101927157; plus strand). Cytogenetic location: 4p12.
Variant type: single nucleotide variant.
Coding change: c.1667G>A on transcript NM_001379270.1 (MANE Select); coding-DNA position 1667, G replaced by A.
Protein change: p.Arg556Gln; replaces arginine 556 with glutamine.
Molecular consequence: missense variant.
Genome position (GRCh38, 1-based): chr4:47,936,815, C>T on the plus strand (G>A on the coding strand, the complement: CNGA1 is on the minus strand). VCF-style: chr4-47936815-C-T. GRCh37 (hg19) VCF-style: chr4-47938832-C-T.
Other names: c.1667G>A, p.Arg556Gln (NM_000087.5, NM_001142564.2); short protein forms R556Q.
Identifiers: ClinVar variation 1922034 (VCV001922034.5), dbSNP rs867972995, ClinGen allele CA96688276.
Genomic context (GRCh38, chr4:47,936,815, plus strand): 5'-TCATCTTTTGAGAGACAGAACAGGTCTGAGTAGCCAATACTTTTAATATTGGCCGTTCTT[C>T]GATTGCCAGCTTTGCTCCCTTTAATGTTAAGAATGCTGATCTCACCGAAGTAGCTGCCAT-3'
Protein context (NP_001366199.1, residues 546-566): LNIKGSKAGN[Arg556Gln]RTANIKSIGY

ClinVar aggregate classification (germline): Uncertain significance (1 of 4 stars; one submission).

Allele frequency attached by ClinVar (database versions not stated): gnomAD exomes below 0.00001.
gnomAD v4.1: 7 of 1,614,116 alleles (0.00043%); highest among the groups gnomAD compares: East Asian, 0.0045%; no homozygotes.

Submission:

Labcorp Genetics (formerly Invitae), Labcorp
Classification: Uncertain significance. Last evaluated: 2022-06-12. Review status: criteria provided, single submitter. Criteria: Invitae Variant Classification Sherloc (09022015). Collection method: clinical testing. Allele origin: germline.
Comment: In summary, the available evidence is currently insufficient to determine the role of this variant in disease. Therefore, it has been classified as a Variant of Uncertain Significance. Algorithms developed to predict the effect of missense changes on protein structure and function (SIFT, PolyPhen-2, Align-GVGD) all suggest that this variant is likely to be disruptive. This variant has not been reported in the literature in individuals affected with CNGA1-related conditions. This variant is present in population databases (no rsID available, gnomAD 0.01%). This sequence change replaces arginine, which is basic and polar, with glutamine, which is neutral and polar, at codon 560 of the CNGA1 protein (p.Arg560Gln).